The following is an entry in ClinVar:

NM_021072.4(HCN1):c.883G>A (p.Val295Met)

Gene: HCN1 (hyperpolarization activated cyclic nucleotide gated potassium channel 1; minus strand). Cytogenetic location: 5p12.
Variant type: single nucleotide variant.
Coding change: c.883G>A on transcript NM_021072.4 (MANE Select); coding-DNA position 883, G replaced by A.
Protein change: p.Val295Met; replaces valine 295 with methionine.
Molecular consequence: missense variant.
Genome position (GRCh38, 1-based): chr5:45,461,974, C>T on the plus strand (G>A on the coding strand, the complement: HCN1 is on the minus strand). VCF-style: chr5-45461974-C-T. GRCh37 (hg19) VCF-style: chr5-45462076-C-T.
Other names: short protein forms V295M.
Identifiers: ClinVar variation 2828535 (VCV002828535.3), dbSNP rs2478145435, ClinGen allele CA359705039.
Genomic context (GRCh38, chr5:45,461,974, plus strand): 5'-GACAACCATCCCAGTGGCACAGGAGCAGCATCATGCCGATGAGATTAAAAATTCTCACCA[C>T]TGCACTGGCGAGATCATATGTCATGTGGAATATCTGTTGACCAAAATATAAAATCAATTC-3'
Protein context (NP_066550.2, residues 285-305): FHMTYDLASA[Val295Met]VRIFNLIGMM

ClinVar aggregate classification (germline): Uncertain significance (1 of 4 stars; one submission).

Conditions:
Early-infantile DEE. Also called: Early infantile epileptic encephalopathy; Early infantile epileptic encephalopathy with suppression bursts; Ohtahara syndrome. Identifiers: Orphanet 1934, MedGen C0393706, MONDO:0800491.

Submission:

Labcorp Genetics (formerly Invitae), Labcorp
Classification: Uncertain significance for Early-infantile DEE. Last evaluated: 2023-01-14. Review status: criteria provided, single submitter. Criteria: Invitae Variant Classification Sherloc (09022015). Collection method: clinical testing. Allele origin: germline.
Comment: In summary, the available evidence is currently insufficient to determine the role of this variant in disease. Therefore, it has been classified as a Variant of Uncertain Significance. Advanced modeling of protein sequence and biophysical properties (such as structural, functional, and spatial information, amino acid conservation, physicochemical variation, residue mobility, and thermodynamic stability) performed at Invitae indicates that this missense variant is not expected to disrupt HCN1 protein function. This variant has not been reported in the literature in individuals affected with HCN1-related conditions. This variant is not present in population databases (gnomAD no frequency). This sequence change replaces valine, which is neutral and non-polar, with methionine, which is neutral and non-polar, at codon 295 of the HCN1 protein (p.Val295Met).